The following is an entry in ClinVar:

NM_002968.3(SALL1):c.443C>T (p.Ala148Val)

Gene: SALL1 (spalt like transcription factor 1; minus strand). Cytogenetic location: 16q12.1.
Variant type: single nucleotide variant.
Coding change: c.443C>T on transcript NM_002968.3 (MANE Select); coding-DNA position 443, C replaced by T.
Protein change: p.Ala148Val; replaces alanine 148 with valine.
Molecular consequence: missense variant.
Genome position (GRCh38, 1-based): chr16:51,141,779, G>A on the plus strand (C>T on the coding strand, the complement: SALL1 is on the minus strand). VCF-style: chr16-51141779-G-A. GRCh37 (hg19) VCF-style: chr16-51175690-G-A.
Other names: c.152C>T, p.Ala51Val (NM_001127892.2); short protein forms A51V, A148V.
Identifiers: ClinVar variation 4691432 (VCV004691432.1).

ClinVar aggregate classification (germline): Uncertain significance (1 of 4 stars; one submission).

Conditions:
Townes syndrome (TBS). Also called: Townes-Brocks syndrome. Identifiers: Orphanet 857, MedGen C0265246, MeSH C536974, MONDO:0007142.

gnomAD v4.1: 7 of 1,610,398 alleles (0.00043%); highest among the groups gnomAD compares: Middle Eastern, 0.017%; no homozygotes.

Submission:

Labcorp Genetics (formerly Invitae), Labcorp
Classification: Uncertain significance for Townes syndrome. Last evaluated: 2025-02-21. Review status: criteria provided, single submitter. Criteria: Invitae Variant Classification Sherloc (09022015). Collection method: clinical testing. Allele origin: germline.
Comment: This sequence change replaces alanine, which is neutral and non-polar, with valine, which is neutral and non-polar, at codon 148 of the SALL1 protein (p.Ala148Val). This variant is present in population databases (rs770776554, gnomAD 0.009%). This variant has not been reported in the literature in individuals affected with SALL1-related conditions. Invitae Evidence Modeling of protein sequence and biophysical properties (such as structural, functional, and spatial information, amino acid conservation, physicochemical variation, residue mobility, and thermodynamic stability) indicates that this missense variant is not expected to disrupt SALL1 protein function with a negative predictive value of 80%. In summary, the available evidence is currently insufficient to determine the role of this variant in disease. Therefore, it has been classified as a Variant of Uncertain Significance.